The following is an entry in ClinVar:

ClinVar aggregate classification (germline): Uncertain significance (1 of 4 stars; one submission).

Conditions:
Familial episodic pain syndrome with predominantly lower limb involvement. Also called: Episodic pain syndrome, familial, 3. Identifiers: Orphanet 391384, Orphanet 391392, MedGen C3809899, MONDO:0014247, OMIM 615552.
Hereditary sensory and autonomic neuropathy type 7. Also called: HSAN VII; Neuropathy, hereditary sensory and autonomic, type VII. Identifiers: Orphanet 391397, MedGen C3809882, MONDO:0014244, OMIM 615548.

Allele frequency attached by ClinVar (database versions not stated): gnomAD exomes below 0.00001 and 0.00001; ExAC 0.00001; TOPMed 0.00001.
gnomAD v4.1: 15 of 1,613,086 alleles (0.00093%); highest among the groups gnomAD compares: Non-Finnish European, 0.0012%; no homozygotes.

Submission:

Labcorp Genetics (formerly Invitae), Labcorp
Classification: Uncertain significance for Familial episodic pain syndrome with predominantly lower limb involvement; Hereditary sensory and autonomic neuropathy type 7. Last evaluated: 2019-07-07. Review status: criteria provided, single submitter. Criteria: Invitae Variant Classification Sherloc (09022015). Collection method: clinical testing. Allele origin: germline.
Comment: This sequence change replaces isoleucine with threonine at codon 966 of the SCN11A protein (p.Ile966Thr). The isoleucine residue is moderately conserved and there is a moderate physicochemical difference between isoleucine and threonine. This variant is present in population databases (rs761443584, ExAC 0.001%). This variant has not been reported in the literature in individuals with SCN11A-related conditions. Algorithms developed to predict the effect of missense changes on protein structure and function output the following: SIFT: "Deleterious"; PolyPhen-2: "Benign"; Align-GVGD: "Class C25". The threonine amino acid residue is found in multiple mammalian species, suggesting that this missense change does not adversely affect protein function. These predictions have not been confirmed by published functional studies and their clinical significance is uncertain. In summary, the available evidence is currently insufficient to determine the role of this variant in disease. Therefore, it has been classified as a Variant of Uncertain Significance.

NM_001349253.2(SCN11A):c.2897T>C (p.Ile966Thr)

Gene: SCN11A (sodium voltage-gated channel alpha subunit 11; minus strand). Cytogenetic location: 3p22.2.
Variant type: single nucleotide variant.
Coding change: c.2897T>C on transcript NM_001349253.2 (MANE Select); coding-DNA position 2897, T replaced by C.
Protein change: p.Ile966Thr; replaces isoleucine 966 with threonine.
Molecular consequence: missense variant.
Genome position (GRCh38, 1-based): chr3:38,886,177, A>G on the plus strand (T>C on the coding strand, the complement: SCN11A is on the minus strand). VCF-style: chr3-38886177-A-G. GRCh37 (hg19) VCF-style: chr3-38927668-A-G.
Other names: c.2897T>C, p.Ile966Thr (NM_014139.3); short protein forms I966T.
Identifiers: ClinVar variation 951477 (VCV000951477.6), dbSNP rs761443584, ClinGen allele CA2321929.
Genomic context (GRCh38, chr3:38,886,177, plus strand): 5'-AAAATTACCTTTCGGGGATCCTGTATGGTCAGATGAGGCTCATCTTCAGAGAACATGTCA[A>G]TTTCCACACTTTGAACTCTCTGGCTCGTGGGCTTCTTGTTCTCCTGATGGAGCTCATAGG-3'
Protein context (NP_001336182.1, residues 956-976): PTSQRVQSVE[Ile966Thr]DMFSEDEPHL